The following is an entry in ClinVar:

ClinVar aggregate classification (germline): Uncertain significance (1 of 4 stars; one submission).

Conditions:
Retinitis pigmentosa 12 (RP12). Also called: RP WITH OR WITHOUT PRESERVED PARAARTERIOLE RETINAL PIGMENT EPITHELIUM; RETINITIS PIGMENTOSA WITH OR WITHOUT PARAARTERIOLAR PRESERVATION OF RETINAL PIGMENT EPITHELIUM; RP WITH OR WITHOUT PPRPE. Identifiers: Orphanet 791, MedGen C1838647, MONDO:0010818, OMIM 600105.
Leber congenital amaurosis 8 (LCA8). Identifiers: Orphanet 65, MedGen C3151202, MONDO:0013453, OMIM 613835.

Submission:

Labcorp Genetics (formerly Invitae), Labcorp
Classification: Uncertain significance for Leber congenital amaurosis 8; Retinitis pigmentosa 12. Last evaluated: 2022-02-24. Review status: criteria provided, single submitter. Criteria: Invitae Variant Classification Sherloc (09022015). Collection method: clinical testing. Allele origin: germline.
Comment: In summary, the available evidence is currently insufficient to determine the role of this variant in disease. Therefore, it has been classified as a Variant of Uncertain Significance. Advanced modeling of protein sequence and biophysical properties (such as structural, functional, and spatial information, amino acid conservation, physicochemical variation, residue mobility, and thermodynamic stability) performed at Invitae indicates that this missense variant is not expected to disrupt CRB1 protein function. This variant has not been reported in the literature in individuals affected with CRB1-related conditions. This variant is not present in population databases (gnomAD no frequency). This sequence change replaces threonine, which is neutral and polar, with isoleucine, which is neutral and non-polar, at codon 367 of the CRB1 protein (p.Thr367Ile).

NM_201253.3(CRB1):c.1100C>T (p.Thr367Ile)

Gene: CRB1 (crumbs cell polarity complex component 1; plus strand). Cytogenetic location: 1q31.3.
Variant type: single nucleotide variant.
Coding change: c.1100C>T on transcript NM_201253.3 (MANE Select); coding-DNA position 1100, C replaced by T.
Protein change: p.Thr367Ile; replaces threonine 367 with isoleucine.
Molecular consequence: missense variant. On other transcripts: non-coding transcript variant (2).
Genome position (GRCh38, 1-based): chr1:197,356,942, C>T. VCF-style: chr1-197356942-C-T. GRCh37 (hg19) VCF-style: chr1-197326072-C-T.
Other names: c.764C>T, p.Thr255Ile (NM_001193640.2); c.893C>T, p.Thr298Ile (NM_001257965.2); c.1100C>T, p.Thr367Ile (NM_001257966.2); short protein forms T255I, T298I, T367I.
Identifiers: ClinVar variation 1378459 (VCV001378459.6), dbSNP rs764225776, ClinGen allele CA344084533.